The following is an entry in ClinVar:

ClinVar aggregate classification (germline): Uncertain significance. Review status: criteria provided, multiple submitters, no conflicts (2 of 4 stars). 3 submissions from 3 submitters: Uncertain significance (2). 1 of the submissions does not count toward it. Last evaluated 2022-10-17.

Conditions:
Glycogen storage disease, type II (IOPD). Also called: CARDIOMEGALIA GLYCOGENICA DIFFUSA; GLYCOGENOSIS, GENERALIZED, CARDIAC FORM; GSD II; POMPE DISEASE, INFANTILE-ONSET; GLYCOGEN STORAGE DISEASE II, INFANTILE-ONSET; ACID ALPHA-GLUCOSIDASE DEFICIENCY, INFANTILE-ONSET. Identifiers: Orphanet 365, MedGen C0017921, MONDO:0009290, OMIM 232300.

Allele frequency attached by ClinVar (database versions not stated): gnomAD exomes below 0.00001; gnomAD 0.00001; TOPMed 0.00001.
gnomAD v4.1: 7 of 1,613,966 alleles (0.00043%); highest among the groups gnomAD compares: Non-Finnish European, 0.00059%; no homozygotes.

Submissions (3):

Labcorp Genetics (formerly Invitae), Labcorp
Classification: Uncertain significance for Glycogen storage disease, type II. Last evaluated: 2022-10-17. Review status: criteria provided, single submitter. Criteria: Invitae Variant Classification Sherloc (09022015). Collection method: clinical testing. Allele origin: germline.
Comment: This sequence change replaces glutamic acid, which is acidic and polar, with glutamine, which is neutral and polar, at codon 945 of the GAA protein (p.Glu945Gln). This variant is present in population databases (no rsID available, gnomAD 0.0009%). This variant has not been reported in the literature in individuals affected with GAA-related conditions. ClinVar contains an entry for this variant (Variation ID: 526531). Advanced modeling of protein sequence and biophysical properties (such as structural, functional, and spatial information, amino acid conservation, physicochemical variation, residue mobility, and thermodynamic stability) performed at Invitae indicates that this missense variant is not expected to disrupt GAA protein function. In summary, the available evidence is currently insufficient to determine the role of this variant in disease. Therefore, it has been classified as a Variant of Uncertain Significance.

MGZ Medical Genetics Center
Classification: Uncertain significance for Glycogen storage disease, type II. Last evaluated: 2022-08-02. Review status: criteria provided, single submitter. Criteria: ACMG Guidelines, 2015. Collection method: clinical testing. Allele origin: germline. Affected: yes. Observed: 1 variant allele.
Comment: ACMG criteria applied: PM2_SUP, BP4

Natera, Inc.
Classification: Uncertain significance for Glycogen storage disease type II. Last evaluated: 2020-09-16. Review status: no assertion criteria provided. Collection method: clinical testing. Allele origin: germline. Not counted in ClinVar's aggregate classification.

NM_000152.5(GAA):c.2833G>C (p.Glu945Gln)

Gene: GAA (alpha glucosidase; plus strand). Cytogenetic location: 17q25.3.
Variant type: single nucleotide variant.
Coding change: c.2833G>C on transcript NM_000152.5 (MANE Select); coding-DNA position 2833, G replaced by C.
Protein change: p.Glu945Gln; replaces glutamic acid 945 with glutamine.
Molecular consequence: missense variant.
Genome position (GRCh38, 1-based): chr17:80,119,305, G>C. VCF-style: chr17-80119305-G-C. GRCh37 (hg19) VCF-style: chr17-78093104-G-C.
Other names: c.2833G>C (LRG_673t1); c.2833G>C, p.Glu945Gln (NM_001079803.3, NM_001079804.3); short protein forms E945Q.
Identifiers: ClinVar variation 526531 (VCV000526531.7), dbSNP rs1034101189, ClinGen allele CA294859409.